The following is an entry in ClinVar:

ClinVar aggregate classification (germline): Conflicting classifications of pathogenicity. Review status: criteria provided, conflicting classifications (1 of 4 stars). 2 submissions from 2 submitters: Likely pathogenic (1); Uncertain significance (1). Last evaluated 2020-10-22.

Conditions:
Intellectual developmental disorder, autosomal recessive 18, with or without epilepsy. Also called: Intellectual disability, autosomal recessive 18. Identifiers: Orphanet 88616, MedGen C3280265, MONDO:0013651, OMIM 614249.

Allele frequency attached by ClinVar (database versions not stated): gnomAD exomes 0.00002 and below 0.00001; TOPMed 0.00003; ExAC 0.00002; gnomAD 0.00003.
gnomAD v4.1: 6 of 1,609,846 alleles (0.00037%); highest among the groups gnomAD compares: African/African-American, 0.0053%; no homozygotes.

Submissions (2):

GeneDx
Classification: Uncertain significance. Last evaluated: 2020-10-22. Review status: criteria provided, single submitter. Criteria: GeneDx Variant Classification Process June 2021. Collection method: clinical testing. Allele origin: germline. Affected: yes.
Comment: Nonsense variant predicted to result in protein truncation or nonsense mediated decay in a gene for which loss-of-function is a known mechanism of disease; Has not been previously published as pathogenic or benign to our knowledge

Juno Genomics, Hangzhou Juno Genomics, Inc
Classification: Likely pathogenic for Intellectual developmental disorder, autosomal recessive 18, with or without epilepsy. Review status: criteria provided, single submitter. Criteria: ACMG Guidelines, 2015. Collection method: clinical testing. Allele origin: germline.
Comment: Absent from controls (or at extremely low frequency if recessive) in Genome Aggregation Database.;Null variant in a gene where loss of function (LOF) is a known mechanism of disease.

NM_004830.4(MED23):c.403C>T (p.Arg135Ter)

Gene: MED23 (mediator complex subunit 23; minus strand). Cytogenetic location: 6q23.2.
Variant type: single nucleotide variant.
Coding change: c.403C>T on transcript NM_004830.4 (MANE Select); coding-DNA position 403, C replaced by T.
Protein change: p.Arg135Ter; replaces arginine 135 with a stop codon.
Molecular consequence: nonsense.
Genome position (GRCh38, 1-based): chr6:131,621,973, G>A on the plus strand (C>T on the coding strand, the complement: MED23 is on the minus strand). VCF-style: chr6-131621973-G-A. GRCh37 (hg19) VCF-style: chr6-131943113-G-A.
Other names: c.403C>T, p.Arg135Ter (NM_001270521.2, NM_001270522.2, NM_001376517.1 and 7 more transcripts); c.331C>T, p.Arg111Ter (NM_001376518.1); short protein forms R111*, R135*.
Identifiers: ClinVar variation 1313331 (VCV001313331.4), dbSNP rs746388016, ClinGen allele CA4000246.